The following is an entry in ClinVar:

NM_001942.4(DSG1):c.1741G>A (p.Ala581Thr)

Genes: DSG1 (desmoglein 1; plus strand), DSG1-AS1 (DSG1 antisense RNA 1; minus strand). Cytogenetic location: 18q12.1.
Variant type: single nucleotide variant.
Coding change: c.1741G>A on transcript NM_001942.4 (MANE Select); coding-DNA position 1741, G replaced by A.
Protein change: p.Ala581Thr; replaces alanine 581 with threonine.
Molecular consequence: missense variant. On other transcripts: non-coding transcript variant (2).
Genome position (GRCh38, 1-based): chr18:31,343,503, G>A. VCF-style: chr18-31343503-G-A. GRCh37 (hg19) VCF-style: chr18-28923466-G-A.
Other names: c.1741G>A (NM_001942.3); short protein forms A581T.
Identifiers: ClinVar variation 1586786 (VCV001586786.10), dbSNP rs144052363, ClinGen allele CA8926163.

ClinVar aggregate classification (germline): Likely benign. Review status: criteria provided, single submitter (1 of 4 stars). 2 submissions from 2 submitters: Likely benign (1). 1 of the submissions does not count toward it. Last evaluated 2026-01-17.

Conditions:
DSG1-related disorder. Also called: DSG1-related condition.

Allele frequency attached by ClinVar (database versions not stated): gnomAD exomes 0.00014 and 0.00033; ExAC 0.00044; 1000 Genomes Project 0.00060; 1000 Genomes Project 30x 0.00062; ESP Exome Variant Server 0.00085; TOPMed 0.00118; gnomAD 0.00129 and 0.00143.
gnomAD v4.1: 408 of 1,614,126 alleles (0.025%); highest among the groups gnomAD compares: African/African-American, 0.42%; 2 homozygotes.

Submissions (2):

Labcorp Genetics (formerly Invitae), Labcorp
Classification: Likely benign. Last evaluated: 2026-01-17. Review status: criteria provided, single submitter. Criteria: Invitae Variant Classification Sherloc (09022015). Collection method: clinical testing. Allele origin: germline.

PreventionGenetics, part of Exact Sciences
Classification: Likely benign for DSG1-related condition. Last evaluated: 2023-12-19. Review status: no assertion criteria provided. Collection method: clinical testing. Allele origin: germline. Not counted in ClinVar's aggregate classification.
Comment: This variant is classified as likely benign based on ACMG/AMP sequence variant interpretation guidelines (Richards et al. 2015 PMID: 25741868, with internal and published modifications).